The following is an entry in ClinVar:

NM_006231.4(POLE):c.4236C>G (p.Asn1412Lys)

Gene: POLE (DNA polymerase epsilon, catalytic subunit; minus strand). Cytogenetic location: 12q24.33.
Variant type: single nucleotide variant.
Coding change: c.4236C>G on transcript NM_006231.4 (MANE Select); coding-DNA position 4236, C replaced by G.
Protein change: p.Asn1412Lys; replaces asparagine 1412 with lysine.
Molecular consequence: missense variant.
Genome position (GRCh38, 1-based): chr12:132,643,891, G>C on the plus strand (C>G on the coding strand, the complement: POLE is on the minus strand). VCF-style: chr12-132643891-G-C. GRCh37 (hg19) VCF-style: chr12-133220477-G-C.
Other names: short protein forms N1412K.
Identifiers: ClinVar variation 1061657 (VCV001061657.9), dbSNP rs377245595, ClinGen allele CA387382052.

ClinVar aggregate classification (germline): Uncertain significance (1 of 4 stars; one submission).

Submission:

Labcorp Genetics (formerly Invitae), Labcorp
Classification: Uncertain significance. Last evaluated: 2020-03-19. Review status: criteria provided, single submitter. Criteria: Invitae Variant Classification Sherloc (09022015). Collection method: clinical testing. Allele origin: germline.
Comment: In summary, the available evidence is currently insufficient to determine the role of this variant in disease. Therefore, it has been classified as a Variant of Uncertain Significance. This sequence change replaces asparagine with lysine at codon 1412 of the POLE protein (p.Asn1412Lys). The asparagine residue is moderately conserved and there is a moderate physicochemical difference between asparagine and lysine. This variant is not present in population databases (ExAC no frequency). This variant has not been reported in the literature in individuals with POLE-related conditions. Algorithms developed to predict the effect of missense changes on protein structure and function (SIFT, PolyPhen-2, Align-GVGD) all suggest that this variant is likely to be tolerated, but these predictions have not been confirmed by published functional studies and their clinical significance is uncertain.